The following is an entry in ClinVar:

NM_001378120.1(MBD5):c.695A>G (p.Tyr232Cys)

Gene: MBD5 (methyl-CpG binding domain protein 5; plus strand). Cytogenetic location: 2q23.1.
Variant type: single nucleotide variant.
Coding change: c.695A>G on transcript NM_001378120.1 (MANE Select); coding-DNA position 695, A replaced by G.
Protein change: p.Tyr232Cys; replaces tyrosine 232 with cysteine.
Molecular consequence: missense variant.
Genome position (GRCh38, 1-based): chr2:148,468,638, A>G. VCF-style: chr2-148468638-A-G. GRCh37 (hg19) VCF-style: chr2-149226207-A-G.
Other names: c.695A>G, p.Tyr232Cys (NM_018328.5); short protein forms Y232C.
Identifiers: ClinVar variation 3012587 (VCV003012587.3), dbSNP rs1434236037, ClinGen allele CA348717462.

ClinVar aggregate classification (germline): Uncertain significance (1 of 4 stars; one submission).

Conditions:
Intellectual developmental disorder, autosomal dominant 1. Also called: MBD5 Haploinsufficiency; Intellectual disability, autosomal dominant 1. Identifiers: Orphanet 228402, MedGen C1969562, MONDO:0007974, OMIM 156200.

Allele frequency attached by ClinVar (database versions not stated): gnomAD exomes below 0.00001; TOPMed below 0.00001.
gnomAD v4.1: 2 of 1,613,886 alleles (0.00012%); highest among the groups gnomAD compares: Admixed American, 0.0033%; no homozygotes.

Submission:

Labcorp Genetics (formerly Invitae), Labcorp
Classification: Uncertain significance for Intellectual developmental disorder, autosomal dominant 1. Last evaluated: 2026-01-28. Review status: criteria provided, single submitter. Criteria: Invitae Variant Classification Sherloc (09022015). Collection method: clinical testing. Allele origin: germline.
Comment: This sequence change replaces tyrosine, which is neutral and polar, with cysteine, which is neutral and slightly polar, at codon 232 of the MBD5 protein (p.Tyr232Cys). This variant is present in population databases (no rsID available, gnomAD 0.006%). This variant has not been reported in the literature in individuals affected with MBD5-related conditions. ClinVar contains an entry for this variant (Variation ID: 3012587). Invitae Evidence Modeling of protein sequence and biophysical properties (such as structural, functional, and spatial information, amino acid conservation, physicochemical variation, residue mobility, and thermodynamic stability) indicates that this missense variant is not expected to disrupt MBD5 protein function with a negative predictive value of 80%. In summary, the available evidence is currently insufficient to determine the role of this variant in disease. Therefore, it has been classified as a Variant of Uncertain Significance.